The following is an entry in ClinVar:

NM_002206.3(ITGA7):c.517C>T (p.Arg173Trp)

Gene: ITGA7 (integrin subunit alpha 7; minus strand). Cytogenetic location: 12q13.2.
Variant type: single nucleotide variant.
Coding change: c.517C>T on transcript NM_002206.3 (MANE Select); coding-DNA position 517, C replaced by T.
Protein change: p.Arg173Trp; replaces arginine 173 with tryptophan.
Molecular consequence: missense variant. On other transcripts: 5 prime UTR variant (1).
Genome position (GRCh38, 1-based): chr12:55,701,052, G>A on the plus strand (C>T on the coding strand, the complement: ITGA7 is on the minus strand). VCF-style: chr12-55701052-G-A. GRCh37 (hg19) VCF-style: chr12-56094836-G-A.
Other names: c.517C>T, p.Arg173Trp (NM_001144996.2, NM_001374465.1, NM_001410977.1 and 5 more transcripts); c.226C>T, p.Arg76Trp (NM_001144997.2); c.178C>T, p.Arg60Trp (NM_001367993.1, NM_001414035.1); c.-656C>T (NM_001367994.1); short protein forms R173W, R76W, R60W.
Identifiers: ClinVar variation 432700 (VCV000432700.8), dbSNP rs368130279, ClinGen allele CA6616291.

ClinVar aggregate classification (germline): Uncertain significance. Review status: criteria provided, multiple submitters, no conflicts (2 of 4 stars). 4 submissions from 4 submitters: Uncertain significance (4). Last evaluated 2023-02-27.

Conditions:
Congenital muscular dystrophy due to integrin alpha-7 deficiency. Also called: Congenital muscular dystrophy with integrin alpha-7 deficiency; Muscular dystrophy, congenital, due to ITGA7 deficiency; MYOPATHY, CONGENITAL, DUE TO INTEGRIN ALPHA-7 DEFICIENCY. Identifiers: Orphanet 34520, MedGen C2750786, MONDO:0013177, OMIM 613204.

Allele frequency attached by ClinVar (database versions not stated): ExAC 0.00007; TOPMed 0.00009; gnomAD 0.00013.
gnomAD v4.1: 152 of 1,614,080 alleles (0.0094%); highest among the groups gnomAD compares: Non-Finnish European, 0.01%; no homozygotes.

Submissions (4):

Revvity Omics, Revvity
Classification: Uncertain significance for Congenital muscular dystrophy due to integrin alpha-7 deficiency. Last evaluated: 2023-02-27. Review status: criteria provided, single submitter. Criteria: ACMG Guidelines, 2015. Collection method: clinical testing. Allele origin: germline.

Labcorp Genetics (formerly Invitae), Labcorp
Classification: Uncertain significance for Congenital muscular dystrophy due to integrin alpha-7 deficiency. Last evaluated: 2022-09-27. Review status: criteria provided, single submitter. Criteria: Invitae Variant Classification Sherloc (09022015). Collection method: clinical testing. Allele origin: germline.
Comment: This sequence change replaces arginine, which is basic and polar, with tryptophan, which is neutral and slightly polar, at codon 173 of the ITGA7 protein (p.Arg173Trp). This variant is present in population databases (rs368130279, gnomAD 0.03%). This variant has not been reported in the literature in individuals affected with ITGA7-related conditions. ClinVar contains an entry for this variant (Variation ID: 432700). Algorithms developed to predict the effect of missense changes on protein structure and function are either unavailable or do not agree on the potential impact of this missense change (SIFT: "Deleterious"; PolyPhen-2: "Possibly Damaging"; Align-GVGD: "Class C0"). In summary, the available evidence is currently insufficient to determine the role of this variant in disease. Therefore, it has been classified as a Variant of Uncertain Significance.

Ambry Genetics
Classification: Uncertain significance. Last evaluated: 2021-09-01. Review status: criteria provided, single submitter. Criteria: Ambry Variant Classification Scheme 2023. Collection method: clinical testing. Allele origin: germline.

GeneDx
Classification: Uncertain significance. Last evaluated: 2017-06-15. Review status: criteria provided, single submitter. Criteria: GeneDx Variant Classification (06012015). Collection method: clinical testing. Allele origin: germline. Affected: yes.
Comment: The R173W variant has not been published as a pathogenic variant, nor has it been reported as a benign variant to our knowledge. The R173W variant is observed in 7/66740 (0.01%) alleles from individuals of European background (Lek et al., 2016; 1000 Genomes Consortium et al., 2015; Exome Variant Server). This variant is a non-conservative amino acid substitution, which is likely to impact secondary protein structure as these residues differ in polarity, charge, size and/or other properties. Additionally, in silico analysis predicts this variant is probably damaging to the protein structure/function. However, this substitution occurs at a position that is not conserved.